The following is an entry in ClinVar:

ClinVar aggregate classification (germline): Benign. Review status: reviewed by expert panel (3 of 4 stars). 16 submissions from 16 submitters: Benign (1). 15 of the submissions do not count toward it. Last evaluated 2024-09-17.

Conditions:
KRAS-related disorder. Also called: KRAS-related condition; KRAS-related disorders.
Noonan syndrome and Noonan-related syndrome. Identifiers: Orphanet 98733, MedGen C5681679, MONDO:0020297.
Cardiovascular phenotype. Identifiers: MedGen CN230736.
RASopathy. Also called: rasopathies; Noonan spectrum disorder. Identifiers: Orphanet 536391, MedGen C5555857, MONDO:0021060.

Submissions (16):

ClinGen RASopathy Variant Curation Expert Panel
Classification: Benign for RASopathy. Last evaluated: 2024-09-17. Review status: reviewed by expert panel. Criteria: ClinGen RASopathy ACMG Specifications KRAS V2.1.0. Collection method: curation. Allele origin: germline. Inheritance: Autosomal dominant inheritance.
Comment: The c.531_533delGAA variant in the KRAS gene is an in-frame deletion of the amino acid lysine (Lys) at position 180 (p.Lys180del). The gnomAD v.4.1.0 filtering allele frequency of this variant is 0.1339% for European (non-Finnish) chromosomes (1637/1177578 with 95% CI), which is a high enough frequency to be classified as benign based on thresholds defined by the ClinGen RASopathy Expert panel for autosomal dominant RASopathy variants (BA1). This variant has been identified in a patient with an alternate molecular basis for disease (BP5; GeneDx, Partners LMM internal data; GTR ID's: 21766, 26957; ClinVar SCV000061947, SCV000207865). In summary, this variant meets criteria to be classified as benign for autosomal dominant RASopathies based on the ACMG/AMP criteria applied, as specified by the ClinGen RASopathy Variant Curation Expert Panel: BA1, BP5 (Specification Version 2.1, 09/17/2024)

Labcorp Genetics (formerly Invitae), Labcorp
Classification: Likely benign for RASopathy. Last evaluated: 2026-02-02. Review status: criteria provided, single submitter. Criteria: Invitae Variant Classification Sherloc (09022015). Collection method: clinical testing. Allele origin: germline. Not counted in ClinVar's aggregate classification.

CeGaT Center for Human Genetics Tuebingen
Classification: Likely benign. Last evaluated: 2025-11-01. Review status: criteria provided, single submitter. Criteria: CeGaT Center For Human Genetics Tuebingen Variant Classification Criteria Version 2. Collection method: clinical testing. Allele origin: germline. Affected: yes. Observed: 8 variant alleles. Not counted in ClinVar's aggregate classification.
Comment: KRAS: PM4:Supporting, BS1

Mayo Clinic Laboratories, Mayo Clinic
Classification: Benign. Last evaluated: 2025-10-10. Review status: criteria provided, single submitter. Criteria: ACMG Guidelines, 2015. Collection method: clinical testing. Allele origin: germline. Observed: 3 variant alleles. Not counted in ClinVar's aggregate classification.
Comment: BA1

ARUP Laboratories, Molecular Genetics and Genomics, ARUP Laboratories
Classification: Likely benign. Last evaluated: 2025-06-24. Review status: criteria provided, single submitter. Criteria: ARUP Molecular Germline Variant Investigation Process 2024. Collection method: clinical testing. Allele origin: germline. Not counted in ClinVar's aggregate classification.

Ambry Genetics
Classification: Likely benign for Cardiovascular phenotype. Last evaluated: 2024-08-27. Review status: criteria provided, single submitter. Criteria: Ambry Variant Classification Scheme 2023. Collection method: clinical testing. Allele origin: germline. Not counted in ClinVar's aggregate classification.

Blueprint Genetics
Classification: Likely benign. Last evaluated: 2024-08-19. Review status: criteria provided, single submitter. Criteria: ACMG Guidelines, 2015. Collection method: clinical testing. Allele origin: germline. Not counted in ClinVar's aggregate classification.

Center for Pediatric Genomic Medicine, Children's Mercy Hospital and Clinics
Classification: Likely benign. Last evaluated: 2017-07-21. Review status: criteria provided, single submitter. Criteria: ACMG Guidelines, 2015. Collection method: clinical testing. Allele origin: germline. Not counted in ClinVar's aggregate classification.

Laboratory for Molecular Medicine, Mass General Brigham Personalized Medicine
Classification: Likely benign. Last evaluated: 2017-06-16. Review status: criteria provided, single submitter. Criteria: LMM Criteria. Collection method: clinical testing. Allele origin: germline. Observed: 10 variant alleles. Not counted in ClinVar's aggregate classification.
Comment: p.Lys180del in exon 6 of KRAS: This variant is not expected to have clinical sig nificance because it has been identified in 0.1% (123/125888) European chromosom es by the Genome Aggregation Database (gnomAD; dbSNP rs397517043). This va riant causes an in-frame deletion of the amino acid lysine (Lys) at position 180 . This amino acid is in a stretch of six lysine (Lys) residues.

Genome Diagnostics Laboratory, The Hospital for Sick Children
Classification: Likely benign for Noonan syndrome and Noonan-related syndrome. Last evaluated: 2017-05-25. Review status: criteria provided, single submitter. Criteria: ACMG Guidelines, 2015. Collection method: clinical testing. Allele origin: germline. Not counted in ClinVar's aggregate classification.

GeneDx
Classification: Benign. Last evaluated: 2016-06-07. Review status: criteria provided, single submitter. Criteria: GeneDx Variant Classification (06012015). Collection method: clinical testing. Allele origin: germline. Affected: yes. Not counted in ClinVar's aggregate classification.
Comment: This variant is considered likely benign or benign based on one or more of the following criteria: it is a conservative change, it occurs at a poorly conserved position in the protein, it is predicted to be benign by multiple in silico algorithms, and/or has population frequency not consistent with disease.

PreventionGenetics, part of Exact Sciences
Classification: Likely benign for KRAS-related condition. Last evaluated: 2019-12-30. Review status: no assertion criteria provided. Collection method: clinical testing. Allele origin: germline. Not counted in ClinVar's aggregate classification.
Comment: This variant is classified as likely benign based on ACMG/AMP sequence variant interpretation guidelines (Richards et al. 2015 PMID: 25741868, with internal and published modifications).

ITMI
No classification provided. Condition: AllHighlyPenetrant. Last evaluated: 2013-09-19. Review status: no classification provided. Collection method: reference population. Allele origin: germline. Not counted in ClinVar's aggregate classification.
Comment: Please see associated publication for description of ethnicities

Clinical Genetics, Academic Medical Center
Classification: Likely benign. Review status: no assertion criteria provided. Collection method: clinical testing. Allele origin: germline. Affected: yes. Study: VKGL Data-share Consensus. Not counted in ClinVar's aggregate classification.

Diagnostic Laboratory, Department of Genetics, University Medical Center Groningen
Classification: Likely benign. Review status: no assertion criteria provided. Collection method: clinical testing. Allele origin: germline. Affected: yes. Study: VKGL Data-share Consensus. Not counted in ClinVar's aggregate classification.

Laboratory of Diagnostic Genome Analysis, Leiden University Medical Center (LUMC)
Classification: Likely benign. Review status: no assertion criteria provided. Collection method: clinical testing. Allele origin: germline. Affected: yes. Study: VKGL Data-share Consensus. Not counted in ClinVar's aggregate classification.

Literature cited by the submitters: PubMed 24728327 (cited by ITMI).

NM_004985.5(KRAS):c.528GAA[1] (p.Lys180del)

Gene: KRAS (KRas proto-oncogene, GTPase; minus strand). Cytogenetic location: 12p12.1.
Variant type: Microsatellite.
Coding change: c.528GAA[1] on transcript NM_004985.5 (MANE Select); one copy of the 3-base unit GAA starting at c.528; the reference has two copies in a row; one copy, 3 bases deleted; also written c.531_533del.
Protein change: p.Lys180del; deletes lysine 180.
Molecular consequence: inframe deletion. On other transcripts: 3 prime UTR variant (2).
Genome position (GRCh38, 1-based): chr12:25,209,829-25,209,831, TTC deleted on the plus strand (GAA on the coding strand, the reverse complement: KRAS is on the minus strand); deleting any 3 consecutive bases within chr12:25,209,829-25,209,836 gives the same sequence; the position shown is the placement nearest the transcript's 3' end. VCF-style (leftmost placement, unchanged base first): chr12-25209828-TTTC-T. GRCh37 (hg19) VCF-style: chr12-25362762-TTTC-T.
Other names: NM_004985.4(KRAS):c.531_533delGAA; NM_004985.5(KRAS):c.528GAA[1]; c.531_533del (NM_004985.4, NM_004985.5); c.*82GAA[1] (NM_001369786.1, NM_033360.4); c.528GAA[1], p.Lys180del (NM_001369787.1); short protein forms K180del.
Identifiers: ClinVar variation 45129 (VCV000045129.55), dbSNP rs397517043, ClinGen allele CA135584.